The following is an entry in ClinVar:

ClinVar aggregate classification (germline): Likely benign. Review status: criteria provided, multiple submitters, no conflicts (2 of 4 stars). 2 submissions from 2 submitters: Likely benign (2). Last evaluated 2025-11-18.

Conditions:
Gastrointestinal stromal tumor. Also called: Gastrointestinal stromal tumor, somatic; Gastrointestinal stroma tumor. Identifiers: Orphanet 44890, MedGen C0238198, MeSH D046152, MONDO:0011719, OMIM 606764, HP:0100723.
Pheochromocytoma/paraganglioma syndrome 3. Also called: SDHC-Related Hereditary Paraganglioma-Pheochromocytoma Syndrome (Paragangliomas 3); SDHC-Related Hereditary Paraganglioma-Pheochromocytoma Syndrome; GLOMUS TUMORS, FAMILIAL, 3; Paragangliomas 3. Identifiers: Orphanet 29072, MedGen C1854336, MONDO:0011544, OMIM 605373.

Submissions (2):

Labcorp Genetics (formerly Invitae), Labcorp
Classification: Likely benign for Pheochromocytoma/paraganglioma syndrome 3; Gastrointestinal stromal tumor. Last evaluated: 2025-11-18. Review status: criteria provided, single submitter. Criteria: Invitae Variant Classification Sherloc (09022015). Collection method: clinical testing. Allele origin: germline.

Myriad Genetics, Inc.
Classification: Likely benign for Pheochromocytoma/paraganglioma syndrome 3. Last evaluated: 2025-03-14. Review status: criteria provided, single submitter. Criteria: Myriad Autosomal Dominant, Autosomal Recessive and X-Linked Classification Criteria (2023). Collection method: clinical testing. Allele origin: unknown.
Comment: This variant is considered likely benign. This variant is intronic and is not expected to impact mRNA splicing.

NM_003001.5(SDHC):c.242-6C>T

Gene: SDHC (succinate dehydrogenase complex subunit C; plus strand). Cytogenetic location: 1q23.3.
Variant type: single nucleotide variant.
Coding change: c.242-6C>T on transcript NM_003001.5 (MANE Select); 6 bases into the intron before coding-DNA position 242, C replaced by T.
Molecular consequence: intron variant.
Genome position (GRCh38, 1-based): chr1:161,356,671, C>T. VCF-style: chr1-161356671-C-T. GRCh37 (hg19) VCF-style: chr1-161326461-C-T.
Other names: c.131-6C>T (NM_001407119.1, NM_001407120.1); c.362-6C>T (NM_001407115.1); c.242-5658C>T (NM_001035511.3); c.140-6C>T (NM_001035512.3); c.140-5658C>T (NM_001278172.3); c.134-6C>T (NM_001407118.1); c.185-6C>T (NM_001407116.1); c.185-5658C>T (NM_001407121.1); and 2 more.
Identifiers: ClinVar variation 705589 (VCV000705589.9), dbSNP rs1571889931, ClinGen allele CA915943649.